The following is an entry in ClinVar:

NM_021830.5(TWNK):c.375C>A (p.Phe125Leu)

Gene: TWNK (twinkle mtDNA helicase; plus strand). Cytogenetic location: 10q24.31.
Variant type: single nucleotide variant.
Coding change: c.375C>A on transcript NM_021830.5 (MANE Select); coding-DNA position 375, C replaced by A.
Protein change: p.Phe125Leu; replaces phenylalanine 125 with leucine.
Molecular consequence: missense variant. On other transcripts: non-coding transcript variant (4), intron variant (3).
Genome position (GRCh38, 1-based): chr10:100,988,585, C>A. VCF-style: chr10-100988585-C-A. GRCh37 (hg19) VCF-style: chr10-102748342-C-A.
Other names: c.375C>A, p.Phe125Leu (NM_001163812.2); c.-120+972C>A (NM_001163814.2, NM_001163813.2); c.-58+972C>A (NM_001368275.1); short protein forms F125L.
Identifiers: ClinVar variation 3711359 (VCV003711359.2).
Genomic context (GRCh38, chr10:100,988,585, plus strand): 5'-CAAGACCACAGGCCACTTTCTCTGCATGACCAGCCTAGCAGAAGGGAGCTGGGAAGACTT[C>A]CAGGCCAGCGTGGAGGGGCGAGGGGATGGGGCCAGGGAGGGGTTTCTGCTTAGCAAGGCA-3'
Protein context (NP_068602.2, residues 115-135): TSLAEGSWED[Phe125Leu]QASVEGRGDG

ClinVar aggregate classification (germline): Uncertain significance (1 of 4 stars; one submission).

gnomAD v4.1: 1 of 1,613,998 alleles (0.000062%); highest among the groups gnomAD compares: Non-Finnish European, 0.000085%; no homozygotes.

Submission:

Labcorp Genetics (formerly Invitae), Labcorp
Classification: Uncertain significance. Last evaluated: 2024-11-04. Review status: criteria provided, single submitter. Criteria: Invitae Variant Classification Sherloc (09022015). Collection method: clinical testing. Allele origin: germline.
Comment: This sequence change replaces phenylalanine, which is neutral and non-polar, with leucine, which is neutral and non-polar, at codon 125 of the TWNK protein (p.Phe125Leu). This variant is present in population databases (rs758456031, gnomAD 0.0009%). This variant has not been reported in the literature in individuals affected with TWNK-related conditions. Invitae Evidence Modeling of protein sequence and biophysical properties (such as structural, functional, and spatial information, amino acid conservation, physicochemical variation, residue mobility, and thermodynamic stability) indicates that this missense variant is not expected to disrupt TWNK protein function with a negative predictive value of 95%. In summary, the available evidence is currently insufficient to determine the role of this variant in disease. Therefore, it has been classified as a Variant of Uncertain Significance.